The following is an entry in ClinVar:

NM_032271.3(TRAF7):c.358G>A (p.Val120Met)

Gene: TRAF7 (TNF receptor associated factor 7; plus strand). Cytogenetic location: 16p13.3.
Variant type: single nucleotide variant.
Coding change: c.358G>A on transcript NM_032271.3 (MANE Select); coding-DNA position 358, G replaced by A.
Protein change: p.Val120Met; replaces valine 120 with methionine.
Molecular consequence: missense variant.
Genome position (GRCh38, 1-based): chr16:2,171,273, G>A. VCF-style: chr16-2171273-G-A. GRCh37 (hg19) VCF-style: chr16-2221274-G-A.
Other names: short protein forms V120M.
Identifiers: ClinVar variation 1481869 (VCV001481869.6), dbSNP rs372494731, ClinGen allele CA7834553.

ClinVar aggregate classification (germline): Uncertain significance (1 of 4 stars; one submission).

Allele frequency attached by ClinVar (database versions not stated): TOPMed below 0.00001; gnomAD exomes 0.00001; ESP Exome Variant Server 0.00008.
gnomAD v4.1: 19 of 1,549,784 alleles (0.0012%); highest among the groups gnomAD compares: Non-Finnish European, 0.0017%; no homozygotes.

Submission:

Labcorp Genetics (formerly Invitae), Labcorp
Classification: Uncertain significance. Last evaluated: 2021-08-03. Review status: criteria provided, single submitter. Criteria: Invitae Variant Classification Sherloc (09022015). Collection method: clinical testing. Allele origin: germline.
Comment: The frequency data for this variant in the population databases is considered unreliable, as metrics indicate poor data quality at this position in the ExAC database. This sequence change replaces valine with methionine at codon 120 of the TRAF7 protein (p.Val120Met). The valine residue is highly conserved and there is a small physicochemical difference between valine and methionine. This variant has not been reported in the literature in individuals affected with TRAF7-related conditions. Algorithms developed to predict the effect of missense changes on protein structure and function are either unavailable or do not agree on the potential impact of this missense change (SIFT: "Tolerated"; PolyPhen-2: "Possibly Damaging"; Align-GVGD: "Class C0"). In summary, the available evidence is currently insufficient to determine the role of this variant in disease. Therefore, it has been classified as a Variant of Uncertain Significance.